The following is an entry in ClinVar:

NM_001164665.2(KIAA1549):c.3292A>G (p.Ile1098Val)

Gene: KIAA1549 (KIAA1549; minus strand). Cytogenetic location: 7q34.
Variant type: single nucleotide variant.
Coding change: c.3292A>G on transcript NM_001164665.2 (MANE Select); coding-DNA position 3292, A replaced by G.
Protein change: p.Ile1098Val; replaces isoleucine 1098 with valine.
Molecular consequence: missense variant.
Genome position (GRCh38, 1-based): chr7:138,907,087, T>C on the plus strand (A>G on the coding strand, the complement: KIAA1549 is on the minus strand). VCF-style: chr7-138907087-T-C. GRCh37 (hg19) VCF-style: chr7-138591833-T-C.
Other names: c.3292A>G, p.Ile1098Val (NM_020910.3); short protein forms I1098V.
Identifiers: ClinVar variation 1431878 (VCV001431878.5), dbSNP rs1370495815, ClinGen allele CA369385618.

ClinVar aggregate classification (germline): Uncertain significance (1 of 4 stars; one submission).

Allele frequency attached by ClinVar (database versions not stated): gnomAD exomes below 0.00001; gnomAD 0.00001 and 0.00002; TOPMed 0.00001.
gnomAD v4.1: 10 of 1,593,478 alleles (0.00063%); highest among the groups gnomAD compares: African/African-American, 0.0068%; no homozygotes.

Submission:

Labcorp Genetics (formerly Invitae), Labcorp
Classification: Uncertain significance. Last evaluated: 2021-09-01. Review status: criteria provided, single submitter. Criteria: Invitae Variant Classification Sherloc (09022015). Collection method: clinical testing. Allele origin: germline.
Comment: This sequence change replaces isoleucine with valine at codon 1098 of the KIAA1549 protein (p.Ile1098Val). The isoleucine residue is weakly conserved and there is a small physicochemical difference between isoleucine and valine. This variant is not present in population databases (ExAC no frequency). This variant has not been reported in the literature in individuals affected with KIAA1549-related conditions. Algorithms developed to predict the effect of missense changes on protein structure and function output the following: SIFT: "Tolerated"; PolyPhen-2: "Benign"; Align-GVGD: "Class C0". The valine amino acid residue is found in multiple mammalian species, which suggests that this missense change does not adversely affect protein function. Algorithms developed to predict the effect of sequence changes on RNA splicing suggest that this variant may create or strengthen a splice site. In summary, the available evidence is currently insufficient to determine the role of this variant in disease. Therefore, it has been classified as a Variant of Uncertain Significance.